The following is an entry in ClinVar:

ClinVar aggregate classification (germline): Uncertain significance. Review status: criteria provided, multiple submitters, no conflicts (2 of 4 stars). 2 submissions from 2 submitters: Uncertain significance (2). Last evaluated 2025-09-15.

Conditions:
Holoprosencephaly 9 (HPE9). Also called: HOLOPROSENCEPHALY WITH MICROPHTHALMIA AND FIRST BRANCHIAL ARCH ANOMALIES; PITUITARY ANOMALIES WITH HOLOPROSENCEPHALY-LIKE FEATURES. Identifiers: Orphanet 2162, MedGen C1835819, MONDO:0012563, OMIM 610829.
Postaxial polydactyly-anterior pituitary anomalies-facial dysmorphism syndrome. Also called: Culler-Jones syndrome. Identifiers: Orphanet 420584, MedGen C4014479, MONDO:0014369, OMIM 615849.
GLI2-related disorder. Also called: GLI2-related disorders; GLI2-related condition.

gnomAD v4.1: 2 of 1,613,206 alleles (0.00012%); highest among the groups gnomAD compares: Non-Finnish European, 0.000085%; no homozygotes.

Submissions (2):

Labcorp Genetics (formerly Invitae), Labcorp
Classification: Uncertain significance for Postaxial polydactyly-anterior pituitary anomalies-facial dysmorphism syndrome; Holoprosencephaly 9. Last evaluated: 2025-09-15. Review status: criteria provided, single submitter. Criteria: Invitae Variant Classification Sherloc (09022015). Collection method: clinical testing. Allele origin: germline.
Comment: This sequence change replaces aspartic acid, which is acidic and polar, with histidine, which is basic and polar, at codon 1095 of the GLI2 protein (p.Asp1095His). This variant is not present in population databases (gnomAD no frequency). This variant has not been reported in the literature in individuals affected with GLI2-related conditions. Invitae Evidence Modeling of protein sequence and biophysical properties (such as structural, functional, and spatial information, amino acid conservation, physicochemical variation, residue mobility, and thermodynamic stability) indicates that this missense variant is not expected to disrupt GLI2 protein function with a negative predictive value of 80%. In summary, the available evidence is currently insufficient to determine the role of this variant in disease. Therefore, it has been classified as a Variant of Uncertain Significance.

PreventionGenetics, part of Exact Sciences
Classification: Uncertain significance for GLI2-related condition. Last evaluated: 2025-07-03. Review status: criteria provided, single submitter. Criteria: ACMG Guidelines, 2015. Collection method: clinical testing. Allele origin: germline.
Comment: The GLI2 c.3283G>C variant is predicted to result in the amino acid substitution p.Asp1095His. To our knowledge, this variant has not been reported in the literature or in a large population database (gnomAD), indicating this variant is rare. At this time, the clinical significance of this variant is uncertain due to the absence of conclusive functional and genetic evidence.

NM_001374353.1(GLI2):c.3232G>C (p.Asp1078His)

Gene: GLI2 (GLI family zinc finger 2; plus strand). Cytogenetic location: 2q14.2.
Variant type: single nucleotide variant.
Coding change: c.3232G>C on transcript NM_001374353.1 (MANE Select); coding-DNA position 3232, G replaced by C.
Protein change: p.Asp1078His; replaces aspartic acid 1078 with histidine.
Molecular consequence: missense variant.
Genome position (GRCh38, 1-based): chr2:120,989,197, G>C. VCF-style: chr2-120989197-G-C. GRCh37 (hg19) VCF-style: chr2-121746773-G-C.
Other names: c.3283G>C (NM_005270.4); c.3283G>C, p.Asp1095His (NM_001371271.1, NM_005270.5); c.2857G>C, p.Asp953His (NM_001374354.1); short protein forms D1078H, D1095H, D953H.
Identifiers: ClinVar variation 4788948 (VCV004788948.2).